The following is an entry in ClinVar:

NM_001267550.2(TTN):c.57165A>T (p.Glu19055Asp)

Genes: TTN (titin; minus strand), TTN-AS1 (TTN antisense RNA 1; plus strand). Cytogenetic location: 2q31.2.
Variant type: single nucleotide variant.
Coding change: c.57165A>T on transcript NM_001267550.2 (MANE Select); coding-DNA position 57165, A replaced by T.
Protein change: p.Glu19055Asp; replaces glutamic acid 19055 with aspartic acid.
Molecular consequence: missense variant.
Genome position (GRCh38, 1-based): chr2:178,598,005, T>A on the plus strand (A>T on the coding strand, the complement: TTN is on the minus strand). VCF-style: chr2-178598005-T-A. GRCh37 (hg19) VCF-style: chr2-179462732-T-A.
Other names: c.52242A>T, p.Glu17414Asp (NM_001256850.1); c.29970A>T, p.Glu9990Asp (NM_003319.4); c.49461A>T, p.Glu16487Asp (NM_133378.4); c.30345A>T, p.Glu10115Asp (NM_133432.3); c.30546A>T, p.Glu10182Asp (NM_133437.4); short protein forms E10115D, E10182D, E16487D, E17414D, E19055D, E9990D.
Identifiers: ClinVar variation 2437804 (VCV002437804.4), dbSNP rs1263660973, ClinGen allele CA349522934.
Genomic context (GRCh38, chr2:178,598,005, plus strand): 5'-TCCAGGTTCTCCAATGCCAGCAATGTTGACTGCTCTAACTCTAAATTTGTAGAATGCTCC[T>A]TCCTTTAATCCTGTCACAACAAGCTTTGTTCCTCTCACTTCTTTATCTTTACCCTGGGGA-3'
Protein context (NP_001254479.2, residues 19045-19065): GTKLVVTGLK[Glu19055Asp]GAFYKFRVRA

ClinVar aggregate classification (germline): Uncertain significance. Review status: criteria provided, multiple submitters, no conflicts (2 of 4 stars). 2 submissions from 2 submitters: Uncertain significance (2). Last evaluated 2026-06-22.

Conditions:
TTN-related disorder. Also called: TTN-related condition; TTN-related disease; TTN-related disorders.

Allele frequency attached by ClinVar (database versions not stated): gnomAD 0.00001; TOPMed 0.00002.
gnomAD v4.1: 7 of 1,613,354 alleles (0.00043%); highest among the groups gnomAD compares: African/African-American, 0.0067%; no homozygotes.

Submissions (2):

PreventionGenetics, part of Exact Sciences
Classification: Uncertain significance for TTN-related condition. Last evaluated: 2026-06-22. Review status: criteria provided, single submitter. Criteria: ACMG Guidelines, 2015. Collection method: clinical testing. Allele origin: germline.
Comment: The TTN c.57165A>T variant is predicted to result in the amino acid substitution p.Glu19055Asp. To our knowledge, this variant has not been reported in the literature. This variant is reported in 0.0029% of alleles in individuals of Latino descent in gnomAD. At this time, the clinical significance of this variant is uncertain due to the absence of conclusive functional and genetic evidence.

Revvity Omics, Revvity
Classification: Uncertain significance. Last evaluated: 2019-04-26. Review status: criteria provided, single submitter. Criteria: ACMG Guidelines, 2015. Collection method: clinical testing. Allele origin: germline.